The following is an entry in ClinVar:

ClinVar aggregate classification (germline): Uncertain significance. Review status: criteria provided, multiple submitters, no conflicts (2 of 4 stars). 4 submissions from 4 submitters: Uncertain significance (3). 1 of the submissions does not count toward it. Last evaluated 2023-04-11.

Conditions:
Glycogen storage disease type III (GSD3). Also called: Cori disease; FORBES DISEASE. Identifiers: Orphanet 366, MedGen C0017922, MONDO:0009291, OMIM 232400.

gnomAD v4.1: 4 of 1,614,094 alleles (0.00025%); highest among the groups gnomAD compares: South Asian, 0.0022%; no homozygotes.

Submissions (4):

Genome-Nilou Lab
Classification: Uncertain significance for Glycogen storage disease type III. Last evaluated: 2023-04-11. Review status: criteria provided, single submitter. Criteria: ACMG Guidelines, 2015. Collection method: clinical testing. Allele origin: germline. Affected: no.

Fulgent Genetics
Classification: Uncertain significance for Glycogen storage disease type III. Last evaluated: 2022-05-04. Review status: criteria provided, single submitter. Criteria: ACMG Guidelines, 2015. Collection method: clinical testing. Allele origin: unknown.

Labcorp Genetics (formerly Invitae), Labcorp
Classification: Uncertain significance for Glycogen storage disease type III. Last evaluated: 2022-04-27. Review status: criteria provided, single submitter. Criteria: Invitae Variant Classification Sherloc (09022015). Collection method: clinical testing. Allele origin: germline.
Comment: This sequence change replaces aspartic acid, which is acidic and polar, with glycine, which is neutral and non-polar, at codon 1347 of the AGL protein (p.Asp1347Gly). This variant is present in population databases (rs757161555, gnomAD 0.003%). This variant has not been reported in the literature in individuals affected with AGL-related conditions. ClinVar contains an entry for this variant (Variation ID: 990722). Algorithms developed to predict the effect of missense changes on protein structure and function (SIFT, PolyPhen-2, Align-GVGD) all suggest that this variant is likely to be tolerated. Algorithms developed to predict the effect of sequence changes on RNA splicing suggest that this variant may create or strengthen a splice site. In summary, the available evidence is currently insufficient to determine the role of this variant in disease. Therefore, it has been classified as a Variant of Uncertain Significance.

Natera, Inc.
Classification: Uncertain significance for Glycogen storage disease type III. Last evaluated: 2020-06-23. Review status: no assertion criteria provided. Collection method: clinical testing. Allele origin: germline. Not counted in ClinVar's aggregate classification.

NM_000642.3(AGL):c.4040A>G (p.Asp1347Gly)

Gene: AGL (amylo-alpha-1,6-glucosidase and 4-alpha-glucanotransferase; plus strand). Cytogenetic location: 1p21.2.
Variant type: single nucleotide variant.
Coding change: c.4040A>G on transcript NM_000642.3 (MANE Select); coding-DNA position 4040, A replaced by G.
Protein change: p.Asp1347Gly; replaces aspartic acid 1347 with glycine.
Molecular consequence: missense variant.
Genome position (GRCh38, 1-based): chr1:99,913,617, A>G. VCF-style: chr1-99913617-A-G. GRCh37 (hg19) VCF-style: chr1-100379173-A-G.
Other names: c.4040A>G, p.Asp1347Gly (NM_000028.3, NM_000643.3, NM_000644.3 and 1 more transcripts); c.3992A>G, p.Asp1331Gly (NM_000646.3); c.4019A>G, p.Asp1340Gly (NM_001425326.1); c.3839A>G, p.Asp1280Gly (NM_001425327.1); c.3836A>G, p.Asp1279Gly (NM_001425328.1); c.3701A>G, p.Asp1234Gly (NM_001425329.1); c.3662A>G, p.Asp1221Gly (NM_001425332.1); short protein forms D1331G, D1347G, D1221G, D1234G, D1279G, D1280G, D1340G.
Identifiers: ClinVar variation 990722 (VCV000990722.4), dbSNP rs757161555, ClinGen allele CA967292.